The following is an entry in ClinVar:

NM_000541.5(SAG):c.19A>C (p.Thr7Pro)

Gene: SAG (S-antigen visual arrestin; plus strand). Cytogenetic location: 2q37.1.
Variant type: single nucleotide variant.
Coding change: c.19A>C on transcript NM_000541.5 (MANE Select); coding-DNA position 19, A replaced by C.
Protein change: p.Thr7Pro; replaces threonine 7 with proline.
Molecular consequence: missense variant.
Genome position (GRCh38, 1-based): chr2:233,309,208, A>C. VCF-style: chr2-233309208-A-C. GRCh37 (hg19) VCF-style: chr2-234217854-A-C.
Other names: short protein forms T7P.
Identifiers: ClinVar variation 2745571 (VCV002745571.3), dbSNP rs2469737159, ClinGen allele CA351040394.
Genomic context (GRCh38, chr2:233,309,208, plus strand): 5'-ACCAACACCCCAAGGTGGTAGAAGTTGCCAGGGACAGATAACATGGCAGCCAGCGGGAAG[A>C]CCAGCAAGTCCGAACCGAACCATGTTATCTTCAAGAAGATCTCCCGGGACAAATCGGTGA-3'
Protein context (NP_000532.2, residues 1-17): MAASGK[Thr7Pro]SKSEPNHVIF

ClinVar aggregate classification (germline): Uncertain significance (1 of 4 stars; one submission).

Submission:

Labcorp Genetics (formerly Invitae), Labcorp
Classification: Uncertain significance. Last evaluated: 2023-07-20. Review status: criteria provided, single submitter. Criteria: Invitae Variant Classification Sherloc (09022015). Collection method: clinical testing. Allele origin: germline.
Comment: In summary, the available evidence is currently insufficient to determine the role of this variant in disease. Therefore, it has been classified as a Variant of Uncertain Significance. Algorithms developed to predict the effect of missense changes on protein structure and function output the following: SIFT: "Not Available"; PolyPhen-2: "Benign"; Align-GVGD: "Not Available". The proline amino acid residue is found in multiple mammalian species, which suggests that this missense change does not adversely affect protein function. This variant has not been reported in the literature in individuals affected with SAG-related conditions. This variant is not present in population databases (gnomAD no frequency). This sequence change replaces threonine, which is neutral and polar, with proline, which is neutral and non-polar, at codon 7 of the SAG protein (p.Thr7Pro).